The following is an entry in ClinVar:

NM_001457.4(FLNB):c.2907G>C (p.Arg969Ser)

Gene: FLNB (filamin B; plus strand). Cytogenetic location: 3p14.3.
Variant type: single nucleotide variant.
Coding change: c.2907G>C on transcript NM_001457.4 (MANE Select); coding-DNA position 2907, G replaced by C.
Protein change: p.Arg969Ser; replaces arginine 969 with serine.
Molecular consequence: missense variant.
Genome position (GRCh38, 1-based): chr3:58,121,284, G>C. VCF-style: chr3-58121284-G-C. GRCh37 (hg19) VCF-style: chr3-58107011-G-C.
Other names: c.2907G>C, p.Arg969Ser (NM_001164317.2, NM_001164318.2, NM_001164319.2); short protein forms R969S.
Identifiers: ClinVar variation 3718397 (VCV003718397.2).

ClinVar aggregate classification (germline): Uncertain significance (1 of 4 stars; one submission).

gnomAD v4.1: 1 of 1,614,140 alleles (0.000062%); highest among the groups gnomAD compares: Non-Finnish European, 0.000085%; no homozygotes.

Submission:

Labcorp Genetics (formerly Invitae), Labcorp
Classification: Uncertain significance. Last evaluated: 2024-12-23. Review status: criteria provided, single submitter. Criteria: Invitae Variant Classification Sherloc (09022015). Collection method: clinical testing. Allele origin: germline.
Comment: This sequence change replaces arginine, which is basic and polar, with serine, which is neutral and polar, at codon 969 of the FLNB protein (p.Arg969Ser). This variant is not present in population databases (gnomAD no frequency). This variant has not been reported in the literature in individuals affected with FLNB-related conditions. Invitae Evidence Modeling of protein sequence and biophysical properties (such as structural, functional, and spatial information, amino acid conservation, physicochemical variation, residue mobility, and thermodynamic stability) indicates that this missense variant is not expected to disrupt FLNB protein function with a negative predictive value of 95%. In summary, the available evidence is currently insufficient to determine the role of this variant in disease. Therefore, it has been classified as a Variant of Uncertain Significance.